The following is an entry in ClinVar:

NM_004985.5(KRAS):c.183A>C (p.Gln61His)

Gene: KRAS (KRas proto-oncogene, GTPase; minus strand). Cytogenetic location: 12p12.1.
Variant type: single nucleotide variant.
Coding change: c.183A>C on transcript NM_004985.5 (MANE Select); coding-DNA position 183, A replaced by C.
Protein change: p.Gln61His; replaces glutamine 61 with histidine.
Molecular consequence: missense variant.
Genome position (GRCh38, 1-based): chr12:25,227,341, T>G on the plus strand (A>C on the coding strand, the complement: KRAS is on the minus strand). VCF-style: chr12-25227341-T-G. GRCh37 (hg19) VCF-style: chr12-25380275-T-G.
Other names: c.183A>C, p.Gln61His (NM_001369786.1, NM_001369787.1, NM_033360.4); short protein forms Q61H.
Identifiers: ClinVar variation 177881 (VCV000177881.52), dbSNP rs17851045, ClinGen allele CA180922.

ClinVar aggregate classification (germline): Conflicting classifications of pathogenicity. Review status: criteria provided, conflicting classifications (1 of 4 stars). 7 submissions from 7 submitters: Pathogenic (3); Uncertain significance (2). 2 of the submissions do not count toward it. Last evaluated 2023-01-01.
ClinVar aggregate classification (somatic clinical impact): Tier I - Strong. Review status: criteria provided, multiple submitters. 3 submissions from 2 submitters. 1 of the submissions does not count toward it. Last evaluated 2023-04-14.
ClinVar aggregate classification (oncogenicity): Oncogenic (1 of 4 stars; one submission).

Conditions:
Cardiovascular phenotype. Identifiers: MedGen CN230736.
KRAS-related disorder. Also called: KRAS-related condition; KRAS-related disorders.
Colorectal cancer. Also called: Colorectal cancer, somatic; Malignant Colorectal Neoplasm. Identifiers: MedGen C0346629, MONDO:0005575, OMIM 114500.
RASopathy. Also called: rasopathies; Noonan spectrum disorder. Identifiers: Orphanet 536391, MedGen C5555857, MONDO:0021060.
Non-small cell lung carcinoma (NSCLC). Also called: Non-small cell lung cancer. Identifiers: MedGen C0007131, MeSH D002289, MONDO:0005233, HP:0030358. Disease mechanism: Other.
Juvenile myelomonocytic leukemia (JMML). Also called: LEUKEMIA, JUVENILE MYELOMONOCYTIC, SOMATIC. Identifiers: Orphanet 86834, MedGen C0349639, MONDO:0011908, OMIM 607785, HP:0012209.
Primary intracranial sarcoma, DICER1-mutant. Identifiers: MedGen C5670660, MONDO:0858967.
Embryonal rhabdomyosarcoma (ERMS). Also called: Botryoid rhabdomyosarcoma (type of ERMS); Spindle cell rhabdomyosarcomas (type of ERMS). Identifiers: Orphanet 99757, MedGen C0206656, MONDO:0009993, HP:0006743.
Pilocytic astrocytoma. Also called: Pilocytic astrocytoma, somatic. Identifiers: Orphanet 251612, MedGen C0334583, MONDO:0016691, HP:0033680.
Neoplasm. Also called: Neoplasms; Neoplasm (disease); tumor. Identifiers: MedGen C0027651, MeSH D009369, MONDO:0005070, HP:0002664.

Allele frequency attached by ClinVar (database versions not stated): gnomAD exomes below 0.00001.

Submissions (11):

Center for Genomic Medicine, Rigshospitalet, Copenhagen University Hospital
Classification: Oncogenic for Neoplasm. Last evaluated: 2025-03-04. Review status: criteria provided, single submitter. Criteria: ClinGen/CGC/VICC Guidelines for Oncogenicity, 2022. Collection method: clinical testing. Allele origin: somatic. Affected: yes.

Molecular Pathology Unit, Bambino Gesu' Children's Hospital, IRCCS
Classification: Tier II - Potential for Primary intracranial sarcoma, DICER1-mutant. Assertion type: diagnostic. Clinical significance: supports diagnosis. Last evaluated: 2024-07-31. Review status: criteria provided, single submitter. Criteria: AMP/ASCO/CAP Guidelines, 2017. Collection method: clinical testing. Allele origin: somatic. Affected: yes. Not counted in ClinVar's aggregate classification.
Comment: This variant is not present in population databases (gnomAD no frequency) and it is reported in Clinvar as conflicting of pathogenicity. SIFT Algorithms suggests that this variant is likely to be deleterius. OncoKB database reported this variant as: Oncogenic, Gain-of-function with FDA levels that makes the variant as Tier IIC

Institute for Genomic Medicine (IGM) Clinical Laboratory, Nationwide Children's Hospital
Classification: Tier I - Strong for Pilocytic astrocytoma. Assertion type: diagnostic. Clinical significance: supports diagnosis. Last evaluated: 2023-04-14. Review status: criteria provided, single submitter. Criteria: AMP/ASCO/CAP Guidelines, 2017. Collection method: clinical testing. Allele origin: somatic. Affected: yes.
Comment: Variant has Tier I (strong) clinical significance as a diagnostic inclusion criterion in pilocytic astrocytoma, based on the following evidence: 1) Documented in one or more cancer databases (e.g., St. Jude Pecan, COSMIC, CIViC, OncoKB). 2) Appears in one or more well-established professional guidelines (e.g., World Health Organization [WHO]; National Comprehensive Cancer Network [NCCN]) as providing diagnostic, prognostic, or therapeutic information. 3) Information in the literature supports potential biologic effect of variant (PMIDs: 2105846, 26037647). 4) Diagnostic for a specific tumor type/classification based on well-powered studies with expert-level consensus (Evidence Level B; PMIDs: 9107428, 16247081, 17712732, 19373855, 21610151, 23583981, 23817572).

Clinical Laboratory Sciences Program (CLSP), King Saud bin Abdulaziz University for Health Sciences (KSAU-HS)
Classification: Pathogenic for Colorectal cancer. Last evaluated: 2023-01-01. Review status: criteria provided, single submitter. Criteria: ACMG Guidelines, 2015. Collection method: clinical testing. Allele origin: germline. Affected: yes.
Comment: PS1, PM1, PM5, PP5, PM2, PP3

Labcorp Genetics (formerly Invitae), Labcorp
Classification: Uncertain significance for RASopathy. Last evaluated: 2022-10-10. Review status: criteria provided, single submitter. Criteria: Invitae Variant Classification Sherloc (09022015). Collection method: clinical testing. Allele origin: germline.
Comment: In summary, the available evidence is currently insufficient to determine the role of this variant in disease. Therefore, it has been classified as a Variant of Uncertain Significance. Advanced modeling of protein sequence and biophysical properties (such as structural, functional, and spatial information, amino acid conservation, physicochemical variation, residue mobility, and thermodynamic stability) performed at Invitae indicates that this missense variant is expected to disrupt KRAS protein function. ClinVar contains an entry for this variant (Variation ID: 177881). This variant has not been reported in the literature in individuals affected with KRAS-related conditions. This variant is not present in population databases (gnomAD no frequency). This sequence change replaces glutamine, which is neutral and polar, with histidine, which is basic and polar, at codon 61 of the KRAS protein (p.Gln61His).

Institute for Genomic Medicine (IGM) Clinical Laboratory, Nationwide Children's Hospital
Classification: Tier I - Strong for Embryonal rhabdomyosarcoma. Assertion type: diagnostic. Clinical significance: supports diagnosis. Last evaluated: 2022-09-30. Review status: criteria provided, single submitter. Criteria: AMP/ASCO/CAP Guidelines, 2017. Collection method: clinical testing. Allele origin: somatic. Affected: yes.
Comment: Variant has Tier I (strong) clinical significance as a diagnostic inclusion criterion in embryonal rhabdomyosarcoma, based on the following evidence: 1) Documented in one or more cancer databases (e.g., St. Jude Pecan, COSMIC, CIViC, OncoKB). 2) Appears in one or more well-established professional guidelines (e.g., World Health Organization [WHO]; National Comprehensive Cancer Network [NCCN]) as providing diagnostic, prognostic, or therapeutic information. 3) Information in the literature supports potential biologic effect of variant (PMIDs: 26037647, 2105846). 4) Diagnostic for a specific tumor type/classification based on well-powered studies with expert-level consensus (Evidence Level B).

CeGaT Center for Human Genetics Tuebingen
Classification: Pathogenic. Last evaluated: 2022-01-01. Review status: criteria provided, single submitter. Criteria: CeGaT Center For Human Genetics Tuebingen Variant Classification Criteria Version 2. Collection method: clinical testing. Allele origin: germline. Affected: yes. Observed: 1 variant allele.

Ambry Genetics
Classification: Uncertain significance for Cardiovascular phenotype. Last evaluated: 2020-11-10. Review status: criteria provided, single submitter. Criteria: Ambry Variant Classification Scheme 2023. Collection method: clinical testing. Allele origin: germline.
Comment: The p.Q61H variant (also known as c.183A>C), located in coding exon 2 of the KRAS gene, results from an A to C substitution at nucleotide position 183. The glutamine at codon 61 is replaced by histidine, an amino acid with highly similar properties. Somatic mutations impacting codon 61 of the KRAS gene are frequently observed in multiple cancer types; the p.Q61H variant is often identified in colorectal and lung adenocarcinomas as well as hematopoetic/lymphatic neoplasms (Prior IA et al. Cancer Res 2012;72(10):2457-67). This amino acid position is highly conserved in available vertebrate species. In addition, this alteration is predicted to be deleterious by in silico analysis. Since supporting evidence is limited at this time, the clinical significance of this alteration remains unclear.

Blueprint Genetics
Classification: Pathogenic for KRAS-related disorders. Last evaluated: 2020-02-25. Review status: criteria provided, single submitter. Criteria: ACMG Guidelines, 2015. Collection method: clinical testing. Allele origin: germline. Affected: yes. Observed: 1 variant allele.

Laboratory for Molecular Medicine, Mass General Brigham Personalized Medicine
Classification: Pathogenic for Non-small cell lung carcinoma. Last evaluated: 2014-08-28. Review status: no assertion criteria provided. Collection method: clinical testing. Allele origin: somatic. Observed: 7 variant alleles. Not counted in ClinVar's aggregate classification.
Comment: proposed classification - variant undergoing re-assessment, contact laboratory

NIHR Bioresource Rare Diseases, University of Cambridge
Classification: Likely pathogenic for Juvenile myelomonocytic leukemia. Review status: no assertion criteria provided. Collection method: research. Allele origin: unknown. Affected: yes. Observed: 1 variant allele. Not counted in ClinVar's aggregate classification.

Literature cited by the submitters: PubMed 20147967 (cited by Center for Genomic Medicine, Rigshospitalet, Copenhagen University Hospital); PubMed 32605999 (cited by Center for Genomic Medicine, Rigshospitalet, Copenhagen University Hospital); PubMed 2105846 (cited by Institute for Genomic Medicine (IGM) Clinical Laboratory, Nationwide Children's Hospital); PubMed 26037647 (cited by Institute for Genomic Medicine (IGM) Clinical Laboratory, Nationwide Children's Hospital); PubMed 9107428 (cited by Institute for Genomic Medicine (IGM) Clinical Laboratory, Nationwide Children's Hospital); PubMed 16247081 (cited by Institute for Genomic Medicine (IGM) Clinical Laboratory, Nationwide Children's Hospital); PubMed 17712732 (cited by Institute for Genomic Medicine (IGM) Clinical Laboratory, Nationwide Children's Hospital); PubMed 19373855 (cited by Institute for Genomic Medicine (IGM) Clinical Laboratory, Nationwide Children's Hospital); PubMed 21610151 (cited by Institute for Genomic Medicine (IGM) Clinical Laboratory, Nationwide Children's Hospital); PubMed 23583981 (cited by Institute for Genomic Medicine (IGM) Clinical Laboratory, Nationwide Children's Hospital); PubMed 23817572 (cited by Institute for Genomic Medicine (IGM) Clinical Laboratory, Nationwide Children's Hospital); PubMed 15696205 (cited by Laboratory for Molecular Medicine, Mass General Brigham Personalized Medicine); PubMed 32581362 (cited by NIHR Bioresource Rare Diseases, University of Cambridge).